The following is an entry in ClinVar:

NM_001267550.2(TTN):c.103151T>A (p.Ile34384Asn)

Genes: TTN (titin; minus strand), TTN-AS1 (TTN antisense RNA 1; plus strand). Cytogenetic location: 2q31.2.
Variant type: single nucleotide variant.
Coding change: c.103151T>A on transcript NM_001267550.2 (MANE Select); coding-DNA position 103151, T replaced by A.
Protein change: p.Ile34384Asn; replaces isoleucine 34384 with asparagine.
Molecular consequence: missense variant.
Genome position (GRCh38, 1-based): chr2:178,533,464, A>T on the plus strand (T>A on the coding strand, the complement: TTN is on the minus strand). VCF-style: chr2-178533464-A-T. GRCh37 (hg19) VCF-style: chr2-179398191-A-T.
Other names: c.95447T>A, p.Ile31816Asn (NM_133378.4); c.76331T>A, p.Ile25444Asn (NM_133432.3); c.76532T>A, p.Ile25511Asn (NM_133437.4); c.98228T>A, p.Ile32743Asn (NM_001256850.1); c.75956T>A, p.Ile25319Asn (NM_003319.4); short protein forms I25319N, I34384N, I31816N, I32743N, I25444N, I25511N.
Identifiers: ClinVar variation 2025256 (VCV002025256.4), dbSNP rs1435527858, ClinGen allele CA349414985.

ClinVar aggregate classification (germline): Uncertain significance (1 of 4 stars; one submission).

Conditions:
Dilated cardiomyopathy 1G (CMD1G). Identifiers: Orphanet 154, MedGen C1858763, MONDO:0011400, OMIM 604145.
Autosomal recessive limb-girdle muscular dystrophy type 2J (LGMDR10). Also called: Limb-girdle muscular dystrophy, type 2J; MUSCULAR DYSTROPHY, LIMB-GIRDLE, AUTOSOMAL RECESSIVE 10. Identifiers: Orphanet 140922, MedGen C1837342, MONDO:0012127, OMIM 608807.

Allele frequency attached by ClinVar (database versions not stated): gnomAD exomes below 0.00001.
gnomAD v4.1: 1 of 1,613,608 alleles (0.000062%); highest among the groups gnomAD compares: Non-Finnish European, 0.000085%; no homozygotes.

Submission:

Labcorp Genetics (formerly Invitae), Labcorp
Classification: Uncertain significance for Dilated cardiomyopathy 1G; Autosomal recessive limb-girdle muscular dystrophy type 2J. Last evaluated: 2022-09-23. Review status: criteria provided, single submitter. Criteria: Invitae Variant Classification Sherloc (09022015). Collection method: clinical testing. Allele origin: germline.
Comment: This sequence change replaces isoleucine, which is neutral and non-polar, with asparagine, which is neutral and polar, at codon 34384 of the TTN protein (p.Ile34384Asn). This variant is present in population databases (no rsID available, gnomAD 0.0009%). This variant has not been reported in the literature in individuals affected with TTN-related conditions. Experimental studies and prediction algorithms are not available or were not evaluated, and the functional significance of this variant is currently unknown. This variant is located in the M band of TTN (PMID: 25589632). Variants in this region may be relevant for neuromuscular disorders, but have not been definitively shown to cause cardiomyopathy (PMID: 23975875). In summary, the available evidence is currently insufficient to determine the role of this variant in disease. Therefore, it has been classified as a Variant of Uncertain Significance.

Literature cited by the submitters: PubMed 25589632; PubMed 23975875.